The following is an entry in ClinVar:

NM_003628.6(PKP4):c.1996G>C (p.Val666Leu)

Gene: PKP4 (plakophilin 4; plus strand). Cytogenetic location: 2q24.1.
Variant type: single nucleotide variant.
Coding change: c.1996G>C on transcript NM_003628.6 (MANE Select); coding-DNA position 1996, G replaced by C.
Protein change: p.Val666Leu; replaces valine 666 with leucine.
Molecular consequence: missense variant.
Genome position (GRCh38, 1-based): chr2:158,658,217, G>C. VCF-style: chr2-158658217-G-C. GRCh37 (hg19) VCF-style: chr2-159514729-G-C.
Other names: c.1996G>C, p.Val666Leu (NM_001005476.4, NM_001304971.2, NM_001377218.1 and 1 more transcripts); c.1993G>C, p.Val665Leu (NM_001304969.3, NM_001377219.1, NM_001377220.1 and 2 more transcripts); c.967G>C, p.Val323Leu (NM_001304970.3); c.1990G>C, p.Val664Leu (NM_001377222.1, NM_001377223.1); c.1987G>C, p.Val663Leu (NM_001377224.1); short protein forms V664L, V665L, V323L, V666L, V663L.
Identifiers: ClinVar variation 3419566 (VCV003419566.1).

ClinVar aggregate classification (germline): Uncertain significance (1 of 4 stars; one submission).

Submission:

Ambry Genetics
Classification: Uncertain significance. Last evaluated: 2024-07-17. Review status: criteria provided, single submitter. Criteria: Ambry Variant Classification Scheme 2023. Collection method: clinical testing. Allele origin: germline.
Comment: The p.V666L variant (also known as c.1996G>C), located in coding exon 11 of the PKP4 gene, results from a G to C substitution at nucleotide position 1996. The valine at codon 666 is replaced by leucine, an amino acid with highly similar properties. This amino acid position is conserved. In addition, the in silico prediction for this alteration is inconclusive. Based on the available evidence, the clinical significance of this variant remains unclear.